The following is an entry in ClinVar:

ClinVar aggregate classification (germline): Uncertain significance. Review status: criteria provided, multiple submitters, no conflicts (2 of 4 stars). 2 submissions from 2 submitters: Uncertain significance (2). Last evaluated 2025-07-14.

Conditions:
Inborn genetic diseases. Identifiers: MedGen C0950123, MeSH D030342.

Submissions (2):

Ambry Genetics
Classification: Uncertain significance for Inborn genetic diseases. Last evaluated: 2025-07-14. Review status: criteria provided, single submitter. Criteria: Ambry Variant Classification Scheme 2023. Collection method: clinical testing. Allele origin: germline.

Women's Health and Genetics/Laboratory Corporation of America, LabCorp
Classification: Uncertain significance. Last evaluated: 2025-01-09. Review status: criteria provided, single submitter. Criteria: LabCorp Variant Classification Summary - May 2015. Collection method: clinical testing. Allele origin: germline.
Comment: Variant summary: MAP1B c.2897C>T (p.Ala966Val) results in a non-conservative amino acid change in the encoded protein sequence. Four of five in-silico tools predict a benign effect of the variant on protein function. The frequency data for this variant in gnomAD is considered unreliable, as metrics indicate poor data quality at this position. To our knowledge, no occurrence of c.2897C>T in individuals affected with Periventricular Nodular Heterotopia 9 and no experimental evidence demonstrating its impact on protein function have been reported. No submitters have cited clinical-significance assessments for this variant to ClinVar. Based on the evidence outlined above, the variant was classified as uncertain significance.

NM_005909.5(MAP1B):c.2897C>T (p.Ala966Val)

Gene: MAP1B (microtubule associated protein 1B; plus strand). Cytogenetic location: 5q13.2.
Variant type: single nucleotide variant.
Coding change: c.2897C>T on transcript NM_005909.5 (MANE Select); coding-DNA position 2897, C replaced by T.
Protein change: p.Ala966Val; replaces alanine 966 with valine.
Molecular consequence: missense variant.
Genome position (GRCh38, 1-based): chr5:72,196,252, C>T. VCF-style: chr5-72196252-C-T. GRCh37 (hg19) VCF-style: chr5-71492079-C-T.
Other names: c.2519C>T, p.Ala840Val (NM_001324255.2); c.2897C>T (NM_005909.3); short protein forms A840V, A966V.
Identifiers: ClinVar variation 3769181 (VCV003769181.3).
Genomic context (GRCh38, chr5:72,196,252, plus strand): 5'-CAGAAACTGAGGAGGCTGAGGAGCCAGAAGAGGATGGGGAGGAACACGTATGTGTGAGCG[C>T]CTCCAAGCACAGCCCCACTGAGGATGAGGAAAGTGCCAAGGCGGAGGCTGATGCATACAT-3'
Protein context (NP_005900.2, residues 956-976): EDGEEHVCVS[Ala966Val]SKHSPTEDEE